The following is an entry in ClinVar:

ClinVar aggregate classification (germline): Uncertain significance (1 of 4 stars; one submission).

Allele frequency attached by ClinVar (database versions not stated): gnomAD 0.00001.
gnomAD v4.1: 1 of 1,593,560 alleles (0.000063%); highest among the groups gnomAD compares: Admixed American, 0.0017%; no homozygotes.

Submission:

Labcorp Genetics (formerly Invitae), Labcorp
Classification: Uncertain significance. Last evaluated: 2022-08-08. Review status: criteria provided, single submitter. Criteria: Invitae Variant Classification Sherloc (09022015). Collection method: clinical testing. Allele origin: germline.
Comment: This variant has not been reported in the literature in individuals affected with NDUFA10-related conditions. Algorithms developed to predict the effect of missense changes on protein structure and function are either unavailable or do not agree on the potential impact of this missense change (SIFT: "Tolerated"; PolyPhen-2: "Possibly Damaging"; Align-GVGD: "Class C0"). In summary, the available evidence is currently insufficient to determine the role of this variant in disease. Therefore, it has been classified as a Variant of Uncertain Significance. This variant is not present in population databases (gnomAD no frequency). This sequence change replaces alanine, which is neutral and non-polar, with glycine, which is neutral and non-polar, at codon 263 of the NDUFA10 protein (p.Ala263Gly).

NM_004544.4(NDUFA10):c.788C>G (p.Ala263Gly)

Gene: NDUFA10 (NADH:ubiquinone oxidoreductase subunit A10; minus strand). Cytogenetic location: 2q37.3.
Variant type: single nucleotide variant.
Coding change: c.788C>G on transcript NM_004544.4 (MANE Select); coding-DNA position 788, C replaced by G.
Protein change: p.Ala263Gly; replaces alanine 263 with glycine.
Molecular consequence: missense variant. On other transcripts: non-coding transcript variant (4).
Genome position (GRCh38, 1-based): chr2:240,007,332, G>C on the plus strand (C>G on the coding strand, the complement: NDUFA10 is on the minus strand). VCF-style: chr2-240007332-G-C. GRCh37 (hg19) VCF-style: chr2-240946749-G-C.
Other names: c.788C>G, p.Ala263Gly (NM_001322019.2, NM_001322020.2, NM_001410987.1); short protein forms A263G.
Identifiers: ClinVar variation 1899188 (VCV001899188.5), dbSNP rs1696983480, ClinGen allele CA351271779.
Genomic context (GRCh38, chr2:240,007,332, plus strand): 5'-ATCAAATGTAGGAATAACTTTCAACTTTTCAACCATTTTCTTACCTTTTTTGAATCTTGA[G>C]CTTCCCTTGCAGAATATTGTAAAACCTCACATTTTTCACTGTAAGAAAAAACAAGATGAA-3'
Protein context (NP_004535.1, residues 253-273): CEVLQYSARE[Ala263Gly]QDSKKVVEDI